The following is an entry in ClinVar:

ClinVar aggregate classification (germline): Uncertain significance (1 of 4 stars; one submission).

Conditions:
3-methylglutaconic aciduria with deafness, encephalopathy, and Leigh-like syndrome (MEGDEL). Also called: 3-METHYLGLUTACONIC ACIDURIA, TYPE VI; SERAC1 Deficiency; MEGDEL syndrome. Identifiers: Orphanet 352328, MedGen C4040739, MONDO:0013875, OMIM 614739.

Allele frequency attached by ClinVar (database versions not stated): gnomAD 0.00001; ExAC 0.00002; TOPMed 0.00002.
gnomAD v4.1: 5 of 1,613,890 alleles (0.00031%); highest among the groups gnomAD compares: African/African-American, 0.0027%; no homozygotes.

Submission:

Labcorp Genetics (formerly Invitae), Labcorp
Classification: Uncertain significance for 3-methylglutaconic aciduria with deafness, encephalopathy, and Leigh-like syndrome. Last evaluated: 2022-05-12. Review status: criteria provided, single submitter. Criteria: Invitae Variant Classification Sherloc (09022015). Collection method: clinical testing. Allele origin: germline.
Comment: This variant is present in population databases (rs749813981, gnomAD 0.008%). This sequence change replaces serine, which is neutral and polar, with phenylalanine, which is neutral and non-polar, at codon 543 of the SERAC1 protein (p.Ser543Phe). This variant has not been reported in the literature in individuals affected with SERAC1-related conditions. Algorithms developed to predict the effect of missense changes on protein structure and function are either unavailable or do not agree on the potential impact of this missense change (SIFT: "Deleterious"; PolyPhen-2: "Possibly Damaging"; Align-GVGD: "Class C0"). In summary, the available evidence is currently insufficient to determine the role of this variant in disease. Therefore, it has been classified as a Variant of Uncertain Significance.

NM_032861.4(SERAC1):c.1628C>T (p.Ser543Phe)

Gene: SERAC1 (serine active site containing 1; minus strand). Cytogenetic location: 6q25.3.
Variant type: single nucleotide variant.
Coding change: c.1628C>T on transcript NM_032861.4 (MANE Select); coding-DNA position 1628, C replaced by T.
Protein change: p.Ser543Phe; replaces serine 543 with phenylalanine.
Molecular consequence: missense variant. On other transcripts: non-coding transcript variant (1).
Genome position (GRCh38, 1-based): chr6:158,114,845, G>A on the plus strand (C>T on the coding strand, the complement: SERAC1 is on the minus strand). VCF-style: chr6-158114845-G-A. GRCh37 (hg19) VCF-style: chr6-158535877-G-A.
Other names: short protein forms S543F.
Identifiers: ClinVar variation 2184921 (VCV002184921.4), dbSNP rs749813981, ClinGen allele CA4071015.